The following is an entry in ClinVar:

ClinVar aggregate classification (germline): Uncertain significance (1 of 4 stars; one submission).

Conditions:
Dilated cardiomyopathy 1G (CMD1G). Identifiers: Orphanet 154, MedGen C1858763, MONDO:0011400, OMIM 604145.
Autosomal recessive limb-girdle muscular dystrophy type 2J (LGMDR10). Also called: Limb-girdle muscular dystrophy, type 2J; MUSCULAR DYSTROPHY, LIMB-GIRDLE, AUTOSOMAL RECESSIVE 10. Identifiers: Orphanet 140922, MedGen C1837342, MONDO:0012127, OMIM 608807.

Submission:

Labcorp Genetics (formerly Invitae), Labcorp
Classification: Uncertain significance for Dilated cardiomyopathy 1G; Autosomal recessive limb-girdle muscular dystrophy type 2J. Last evaluated: 2024-10-18. Review status: criteria provided, single submitter. Criteria: Invitae Variant Classification Sherloc (09022015). Collection method: clinical testing. Allele origin: germline.
Comment: This sequence change replaces aspartic acid, which is acidic and polar, with histidine, which is basic and polar, at codon 34203 of the TTN protein (p.Asp34203His). This variant is not present in population databases (gnomAD no frequency). This variant has not been reported in the literature in individuals affected with TTN-related conditions. ClinVar contains an entry for this variant (Variation ID: 1482495). Experimental studies and prediction algorithms are not available or were not evaluated, and the functional significance of this variant is currently unknown. This variant is located in the M band of TTN (PMID: 25589632). Non-truncating variants in this region may be relevant for neuromuscular disorders, but have not been definitively shown to cause cardiomyopathy (PMID: 23975875). In summary, the available evidence is currently insufficient to determine the role of this variant in disease. Therefore, it has been classified as a Variant of Uncertain Significance.

Literature cited by the submitters: PubMed 25589632; PubMed 23975875.

NM_001267550.2(TTN):c.102607G>C (p.Asp34203His)

Genes: TTN-AS1 (TTN antisense RNA 1; plus strand), TTN (titin; minus strand). Cytogenetic location: 2q31.2.
Variant type: single nucleotide variant.
Coding change: c.102607G>C on transcript NM_001267550.2 (MANE Select); coding-DNA position 102607, G replaced by C.
Protein change: p.Asp34203His; replaces aspartic acid 34203 with histidine.
Molecular consequence: missense variant.
Genome position (GRCh38, 1-based): chr2:178,534,008, C>G on the plus strand (G>C on the coding strand, the complement: TTN is on the minus strand). VCF-style: chr2-178534008-C-G. GRCh37 (hg19) VCF-style: chr2-179398735-C-G.
Other names: c.97684G>C, p.Asp32562His (NM_001256850.1); c.75412G>C, p.Asp25138His (NM_003319.4); c.94903G>C, p.Asp31635His (NM_133378.4); c.75787G>C, p.Asp25263His (NM_133432.3); c.75988G>C, p.Asp25330His (NM_133437.4); short protein forms D31635H, D25263H, D25330H, D34203H, D25138H, D32562H.
Identifiers: ClinVar variation 1482495 (VCV001482495.6), dbSNP rs1189437049, ClinGen allele CA349417161.